The following is an entry in ClinVar:

ClinVar aggregate classification (germline): Benign. Review status: criteria provided, multiple submitters, no conflicts (2 of 4 stars). 2 submissions from 2 submitters: Benign (2). Last evaluated 2018-01-12.

Conditions:
Charcot-Marie-Tooth disease type 2B (CMT2B). Also called: Charcot-Marie-Tooth Neuropathy Type 2B; CHARCOT-MARIE-TOOTH DISEASE, AXONAL, TYPE 2B; CHARCOT-MARIE-TOOTH DISEASE, AUTOSOMAL DOMINANT, TYPE 2B; HEREDITARY MOTOR AND SENSORY NEUROPATHY IIB. Identifiers: Orphanet 99936, MedGen C1833219, MONDO:0010949, OMIM 600882.

Allele frequency attached by ClinVar (database versions not stated): 1000 Genomes Project 30x 0.03888; 1000 Genomes Project 0.03894; gnomAD exomes 0.05245; gnomAD 0.06107 and 0.06155; TOPMed 0.06141.
gnomAD v4.1: 9,387 of 152,936 alleles (6.1%); highest among the groups gnomAD compares: Middle Eastern, 15%; 380 homozygotes.

Submissions (2):

Illumina Laboratory Services, Illumina
Classification: Benign for Charcot-Marie-Tooth disease type 2B. Last evaluated: 2018-01-12. Review status: criteria provided, single submitter. Criteria: ICSL Variant Classification Criteria 13 December 2019. Collection method: clinical testing. Allele origin: germline.
Comment: This variant was observed in the ICSL laboratory as part of a predisposition screen in an ostensibly healthy population. It had not been previously curated by ICSL or reported in the Human Gene Mutation Database (HGMD: prior to June 1st, 2018), and was therefore a candidate for classification through an automated scoring system. Utilizing variant allele frequency, disease prevalence and penetrance estimates, and inheritance mode, an automated score was calculated to assess if this variant is too frequent to cause the disease. Based on the score and internal cut-off values, a variant classified as benign is not then subjected to further curation. The score for this variant resulted in a classification of benign for this disease.

Breakthrough Genomics
Classification: Benign. Review status: criteria provided, single submitter. Criteria: ACMG Guidelines, 2015. Collection method: not provided. Allele origin: germline. Inheritance: Autosomal dominant inheritance. Affected: yes.

NM_004637.6(RAB7A):c.*863C>G

Gene: RAB7A (RAB7A, member RAS oncogene family; plus strand). Cytogenetic location: 3q21.3.
Variant type: single nucleotide variant.
Coding change: c.*863C>G on transcript NM_004637.6 (MANE Select); 863 bases downstream of the stop codon, C replaced by G.
Molecular consequence: 3 prime UTR variant.
Genome position (GRCh38, 1-based): chr3:128,814,285, C>G. VCF-style: chr3-128814285-C-G. GRCh37 (hg19) VCF-style: chr3-128533128-C-G.
Identifiers: ClinVar variation 343175 (VCV000343175.6), dbSNP rs59753334, ClinGen allele CA10615238.